The following is an entry in ClinVar:

ClinVar aggregate classification (germline): Pathogenic (1 of 4 stars; one submission).

Conditions:
Bardet-Biedl syndrome (BBS). Identifiers: Orphanet 110, MedGen C0752166, MONDO:0015229.

Submission:

Labcorp Genetics (formerly Invitae), Labcorp
Classification: Pathogenic for Bardet-Biedl syndrome. Last evaluated: 2023-01-19. Review status: criteria provided, single submitter. Criteria: Invitae Variant Classification Sherloc (09022015). Collection method: clinical testing. Allele origin: germline.
Comment: This variant is not present in population databases (gnomAD no frequency). This sequence change creates a premature translational stop signal (p.Trp520*) in the BBS12 gene. While this is not anticipated to result in nonsense mediated decay, it is expected to disrupt the last 191 amino acid(s) of the BBS12 protein. For these reasons, this variant has been classified as Pathogenic. This variant disrupts a region of the BBS12 protein in which other variant(s) (p.Ser701*) have been determined to be pathogenic (PMID: 20648243). This suggests that this is a clinically significant region of the protein, and that variants that disrupt it are likely to be disease-causing. This premature translational stop signal has been observed in individual(s) with Bardet-Biedl syndrome (PMID: 21642631).

Literature cited by the submitters: PubMed 20648243; PubMed 21642631.

NM_152618.3(BBS12):c.1559G>A (p.Trp520Ter)

Gene: BBS12 (Bardet-Biedl syndrome 12; plus strand). Cytogenetic location: 4q27.
Variant type: single nucleotide variant.
Coding change: c.1559G>A on transcript NM_152618.3 (MANE Select); coding-DNA position 1559, G replaced by A.
Protein change: p.Trp520Ter; replaces tryptophan 520 with a stop codon.
Molecular consequence: nonsense.
Genome position (GRCh38, 1-based): chr4:122,743,451, G>A. VCF-style: chr4-122743451-G-A. GRCh37 (hg19) VCF-style: chr4-123664606-G-A.
Other names: c.1559G>A, p.Trp520Ter (NM_001178007.2); short protein forms W520*.
Identifiers: ClinVar variation 2830112 (VCV002830112.3), dbSNP rs2485077223, ClinGen allele CA358225384.